The following is an entry in ClinVar:

NM_014516.4(CNOT3):c.626A>G (p.Tyr209Cys)

Gene: CNOT3 (CCR4-NOT transcription complex subunit 3; plus strand). Cytogenetic location: 19q13.42.
Variant type: single nucleotide variant.
Coding change: c.626A>G on transcript NM_014516.4 (MANE Select); coding-DNA position 626, A replaced by G.
Protein change: p.Tyr209Cys; replaces tyrosine 209 with cysteine.
Molecular consequence: missense variant. On other transcripts: non-coding transcript variant (2).
Genome position (GRCh38, 1-based): chr19:54,145,740, A>G. VCF-style: chr19-54145740-A-G. GRCh37 (hg19) VCF-style: chr19-54649476-A-G.
Other names: c.629A>G, p.Tyr210Cys (NM_001440653.1, NM_001440655.1, NM_001440657.1 and 3 more transcripts); c.626A>G, p.Tyr209Cys (NM_001440654.1, NM_001440656.1, NM_001440658.1 and 1 more transcripts); c.83A>G, p.Tyr28Cys (NM_001440659.1, NM_001440660.1); short protein forms Y209C, Y210C, Y28C.
Identifiers: ClinVar variation 5009815 (VCV005009815.1).

ClinVar aggregate classification (germline): Uncertain significance (1 of 4 stars; one submission).

Submission:

GeneDx
Classification: Uncertain significance. Last evaluated: 2026-02-19. Review status: criteria provided, single submitter. Criteria: GeneDx Variant Classification Process June 2021. Collection method: clinical testing. Allele origin: germline.
Comment: Not observed at significant frequency in large population cohorts (gnomAD); In silico analysis supports that this missense variant has a deleterious effect on protein structure/function; Has not been previously published as pathogenic or benign to our knowledge